The following is an entry in ClinVar:

NM_000540.3(RYR1):c.1273C>T (p.Arg425Trp)

Gene: RYR1 (ryanodine receptor 1; plus strand). Cytogenetic location: 19q13.2.
Variant type: single nucleotide variant.
Coding change: c.1273C>T on transcript NM_000540.3 (MANE Select); coding-DNA position 1273, C replaced by T.
Protein change: p.Arg425Trp; replaces arginine 425 with tryptophan.
Molecular consequence: missense variant.
Genome position (GRCh38, 1-based): chr19:38,452,847, C>T. VCF-style: chr19-38452847-C-T. GRCh37 (hg19) VCF-style: chr19-38943487-C-T.
Other names: c.1273C>T, p.Arg425Trp (NM_001042723.2); short protein forms R425W.
Identifiers: ClinVar variation 3387643 (VCV003387643.1).

ClinVar aggregate classification (germline): Uncertain significance (1 of 4 stars; one submission).

Conditions:
Malignant hyperthermia, susceptibility to, 1 (MHS1). Also called: Anesthesia related hyperthermia; Malignant hyperpyrexia; Fulminating hyperpyrexia; Pharmacogenic myopathy; RYR1-Related Malignant Hyperthermia Susceptibility; Malignant hyperthermia suceptibility 1. Identifiers: Orphanet 423, MedGen C2930980, MONDO:0007783, OMIM 145600.

gnomAD v4.1: 3 of 1,603,134 alleles (0.00019%); highest among the groups gnomAD compares: East Asian, 0.0023%; no homozygotes.

Submission:

All of Us Research Program, National Institutes of Health
Classification: Uncertain significance for Malignant hyperthermia, susceptibility to, 1. Last evaluated: 2024-05-09. Review status: criteria provided, single submitter. Criteria: ACMG Guidelines, 2015. Collection method: clinical testing. Allele origin: germline. Inheritance: Autosomal dominant inheritance. Observed: 1 variant allele, 1 heterozygote.
Comment: This study involves interpretation of variants in research participants for the purpose of population health screening. Participant phenotype was not available at the time of variant classification. Additional details can be found in publication PMID: 35346344, PMCID: PMC8962531